The following is an entry in ClinVar:

NM_000138.5(FBN1):c.*1252A>G

Gene: FBN1 (fibrillin 1; minus strand). Cytogenetic location: 15q21.1.
Variant type: single nucleotide variant.
Coding change: c.*1252A>G on transcript NM_000138.5 (MANE Select); 1252 bases downstream of the stop codon, A replaced by G.
Molecular consequence: 3 prime UTR variant.
Genome position (GRCh38, 1-based): chr15:48,409,738, T>C on the plus strand (A>G on the coding strand, the complement: FBN1 is on the minus strand). VCF-style: chr15-48409738-T-C. GRCh37 (hg19) VCF-style: chr15-48701935-T-C.
Identifiers: ClinVar variation 316339 (VCV000316339.37), dbSNP rs566419089, ClinGen allele CA10647078.

ClinVar aggregate classification (germline): Conflicting classifications of pathogenicity. Review status: criteria provided, conflicting classifications (1 of 4 stars). 7 submissions from 2 submitters: Uncertain significance (6); Benign (1). Last evaluated 2022-05-01.

Conditions:
Weill-Marchesani syndrome. Also called: WM Syndrome; Mesodermal dysmorphodystrophy congenital. Identifiers: Orphanet 3449, MedGen C0265313, MONDO:0018096.
Marfan syndrome (MFS). Also called: MARFAN SYNDROME, TYPE I; Marfan syndrome type 1; Marfan's syndrome; FBN1-Related Marfan Syndrome; Marfan syndrome, classic. Identifiers: Orphanet 284963, Orphanet 558, MedGen C0024796, MONDO:0007947, OMIM 154700.
Familial thoracic aortic aneurysm and aortic dissection (TAAD). Also called: Thoracic aortic aneurysms and dissections. Identifiers: Orphanet 91387, MedGen C4707243, MONDO:0019625.
Acromicric dysplasia (ACMICD). Also called: Acromicric skeletal dysplasia. Identifiers: Orphanet 969, MedGen C0265287, MONDO:0007055, OMIM 102370.
Ectopia lentis 1, isolated, autosomal dominant (ECTOL1). Identifiers: Orphanet 1885, MedGen C3541518, MONDO:0007514, OMIM 129600.
Stiff skin syndrome (SSKS). Identifiers: Orphanet 2833, MedGen C1861456, MONDO:0008492, OMIM 184900.

Allele frequency attached by ClinVar (database versions not stated): 1000 Genomes Project 0.00020; 1000 Genomes Project 30x 0.00047; gnomAD 0.00137 and 0.00150; TOPMed 0.00150.

Submissions (7):

CeGaT Center for Human Genetics Tuebingen
Classification: Benign. Last evaluated: 2022-05-01. Review status: criteria provided, single submitter. Criteria: CeGaT Center For Human Genetics Tuebingen Variant Classification Criteria Version 2. Collection method: clinical testing. Allele origin: germline. Affected: yes. Observed: 1 variant allele.
Comment: FBN1: BS1, BS2

Illumina Laboratory Services, Illumina
Classification: Uncertain significance for Stiff skin syndrome. Last evaluated: 2018-01-13. Review status: criteria provided, single submitter. Criteria: ICSL Variant Classification Criteria 13 December 2019. Collection method: clinical testing. Allele origin: germline.

Illumina Laboratory Services, Illumina
Classification: Uncertain significance for Weill-Marchesani syndrome. Last evaluated: 2018-01-13. Review status: criteria provided, single submitter. Criteria: ICSL Variant Classification Criteria 13 December 2019. Collection method: clinical testing. Allele origin: germline.

Illumina Laboratory Services, Illumina
Classification: Uncertain significance for Familial thoracic aortic aneurysm and aortic dissection. Last evaluated: 2018-01-13. Review status: criteria provided, single submitter. Criteria: ICSL Variant Classification Criteria 13 December 2019. Collection method: clinical testing. Allele origin: germline.

Illumina Laboratory Services, Illumina
Classification: Uncertain significance for Ectopia lentis 1, isolated, autosomal dominant. Last evaluated: 2018-01-13. Review status: criteria provided, single submitter. Criteria: ICSL Variant Classification Criteria 13 December 2019. Collection method: clinical testing. Allele origin: germline.

Illumina Laboratory Services, Illumina
Classification: Uncertain significance for Marfan syndrome. Last evaluated: 2018-01-13. Review status: criteria provided, single submitter. Criteria: ICSL Variant Classification Criteria 13 December 2019. Collection method: clinical testing. Allele origin: germline.

Illumina Laboratory Services, Illumina
Classification: Uncertain significance for Acromicric dysplasia. Last evaluated: 2018-01-13. Review status: criteria provided, single submitter. Criteria: ICSL Variant Classification Criteria 13 December 2019. Collection method: clinical testing. Allele origin: germline.